The following is an entry in ClinVar:

NM_024741.3(ZNF408):c.1381G>C (p.Val461Leu)

Gene: ZNF408 (zinc finger protein 408; plus strand). Cytogenetic location: 11p11.2.
Variant type: single nucleotide variant.
Coding change: c.1381G>C on transcript NM_024741.3 (MANE Select); coding-DNA position 1381, G replaced by C.
Protein change: p.Val461Leu; replaces valine 461 with leucine.
Molecular consequence: missense variant.
Genome position (GRCh38, 1-based): chr11:46,705,081, G>C. VCF-style: chr11-46705081-G-C. GRCh37 (hg19) VCF-style: chr11-46726631-G-C.
Other names: c.1357G>C, p.Val453Leu (NM_001184751.2); short protein forms V453L, V461L.
Identifiers: ClinVar variation 1015806 (VCV001015806.9), dbSNP rs745757511, ClinGen allele CA5966556.

ClinVar aggregate classification (germline): Uncertain significance. Review status: criteria provided, multiple submitters, no conflicts (2 of 4 stars). 2 submissions from 2 submitters: Uncertain significance (2). Last evaluated 2024-11-05.

Allele frequency attached by ClinVar (database versions not stated): TOPMed below 0.00001; ExAC 0.00001.
gnomAD v4.1: 3 of 1,612,640 alleles (0.00019%); highest among the groups gnomAD compares: African/African-American, 0.0013%; no homozygotes.

Submissions (2):

Labcorp Genetics (formerly Invitae), Labcorp
Classification: Uncertain significance. Last evaluated: 2024-11-05. Review status: criteria provided, single submitter. Criteria: Invitae Variant Classification Sherloc (09022015). Collection method: clinical testing. Allele origin: germline.
Comment: This sequence change replaces valine, which is neutral and non-polar, with leucine, which is neutral and non-polar, at codon 461 of the ZNF408 protein (p.Val461Leu). This variant is present in population databases (rs745757511, gnomAD no frequency). This variant has not been reported in the literature in individuals affected with ZNF408-related conditions. ClinVar contains an entry for this variant (Variation ID: 1015806). An algorithm developed to predict the effect of missense changes on protein structure and function outputs the following: PolyPhen-2: "Benign". The leucine amino acid residue is found in multiple mammalian species, which suggests that this missense change does not adversely affect protein function. In summary, the available evidence is currently insufficient to determine the role of this variant in disease. Therefore, it has been classified as a Variant of Uncertain Significance.

Blueprint Genetics
Classification: Uncertain significance. Last evaluated: 2022-10-28. Review status: criteria provided, single submitter. Criteria: ACMG Guidelines, 2015. Collection method: clinical testing. Allele origin: germline.